The following is an entry in ClinVar:

ClinVar aggregate classification (germline): Pathogenic. Review status: reviewed by expert panel (3 of 4 stars). 2 submissions from 2 submitters: Pathogenic (1). 1 of the submissions does not count toward it. Last evaluated 2025-09-06.

Conditions:
RPGR-related retinopathy. Also called: RPGR retinopathy. Identifiers: MedGen CN305589, MONDO:0100437.
RPGR-related disorder. Also called: RPGR-related condition.

Submissions (2):

ClinGen X-linked Inherited Retinal Disease Variant Curation Expert Panel, ClinGen
Classification: Pathogenic for RPGR-related retinopathy. Last evaluated: 2025-09-06. Review status: reviewed by expert panel. Criteria: ClinGen X LinkedIRD ACMG Specifications RPGR V1.0.0. Collection method: curation. Allele origin: germline. Inheritance: X-linked inheritance.
Comment: NM_001034853.2(RPGR):c.310+1G>A is a canonical splice site variant in intron 4 and is predicted to induce skipping of exon 4, which is expected to disrupt a critical functional domain in RPGR (PVS1). This variant is absent from hemizygotes in gnomAD v4.1.0 (PM2_Supporting). This variant has been reported in at least 2 apparently unrelated probands meeting one of the PS4 requirements of a male with some functional vision impairment by age 30 years and/or decreased or absent electroretinogram responses, or a female with functional visual abnormality and documentation of a male relative affected with retinitis pigmentosa (PMID: 24938718, PMID: 32531858, PS4_Supporting). In summary, this variant is classified as pathogenic for RPGR-related retinopathy based on the ClinGen X-linked Inherited Retinal Disease Expert Panel Specifications to the ACMG/AMP Variant Interpretation Guidelines for RPGR Version 1.0.0; PVS1, PM2_Supporting, and PS4_Supporting.

Blueprint Genetics
Classification: Pathogenic for RPGR-related disorders. Last evaluated: 2023-07-04. Review status: criteria provided, single submitter. Criteria: ACMG Guidelines, 2015. Collection method: clinical testing. Allele origin: germline. Affected: yes. Observed: 1 variant allele. Not counted in ClinVar's aggregate classification.

NM_001034853.2(RPGR):c.310+1G>A

Gene: RPGR (retinitis pigmentosa GTPase regulator; minus strand). Cytogenetic location: Xp11.4.
Variant type: single nucleotide variant.
Coding change: c.310+1G>A on transcript NM_001034853.2 (MANE Select); the canonical splice donor site of the intron after coding-DNA position 310, G replaced by A.
Molecular consequence: splice donor variant.
Genome position (GRCh38, 1-based): chrX:38,321,026, C>T on the plus strand (G>A on the coding strand, the complement: RPGR is on the minus strand). VCF-style: chrX-38321026-C-T. GRCh37 (hg19) VCF-style: chrX-38180279-C-T.
Other names: NM_001034853.2:c.310+1G>A; c.310+1G>A (NM_001367249.1, NM_001367250.1, NM_001367245.1 and 4 more transcripts); c.340+1G>A (NM_001367248.1).
Identifiers: ClinVar variation 4082181 (VCV004082181.2).
Genomic context (GRCh38, chrX:38,321,026, plus strand): 5'-ACTGGAATGAGACCTCAGTTCTCAAAGTCAGGCAGGAAATCATACAGGTTGAGCACTATA[C>T]CTGTTGACACCAGGGTGTGGTTCCTTCCACAGGCAGCTAATTTCACTTTTTCAGGTTTTA-3'